The following is an entry in ClinVar:

ClinVar aggregate classification (germline): Pathogenic/Likely pathogenic. Review status: criteria provided, multiple submitters, no conflicts (2 of 4 stars). 6 submissions from 6 submitters: Pathogenic (1); Likely pathogenic (4). 1 of the submissions does not count toward it. Last evaluated 2024-02-21.

Conditions:
Combined malonic and methylmalonic acidemia. Identifiers: Orphanet 289504, MedGen C3280314, MONDO:0013661, OMIM 614265.

Allele frequency attached by ClinVar (database versions not stated): gnomAD exomes below 0.00001 and 0.00001; TOPMed below 0.00001; gnomAD 0.00001.
gnomAD v4.1: 21 of 1,600,514 alleles (0.0013%); highest among the groups gnomAD compares: Non-Finnish European, 0.0017%; no homozygotes.

Submissions (6):

Fulgent Genetics
Classification: Likely pathogenic for Combined malonic and methylmalonic acidemia. Last evaluated: 2024-02-21. Review status: criteria provided, single submitter. Criteria: ACMG Guidelines, 2015. Collection method: clinical testing. Allele origin: germline.

Labcorp Genetics (formerly Invitae), Labcorp
Classification: Pathogenic for Combined malonic and methylmalonic acidemia. Last evaluated: 2024-02-08. Review status: criteria provided, single submitter. Criteria: Invitae Variant Classification Sherloc (09022015). Collection method: clinical testing. Allele origin: germline.
Comment: This sequence change creates a premature translational stop signal (p.Ser527*) in the ACSF3 gene. While this is not anticipated to result in nonsense mediated decay, it is expected to disrupt the last 50 amino acid(s) of the ACSF3 protein. This variant is present in population databases (no rsID available, gnomAD 0.0009%). This variant has not been reported in the literature in individuals affected with ACSF3-related conditions. ClinVar contains an entry for this variant (Variation ID: 1187781). This variant disrupts a region of the ACSF3 protein in which other variant(s) (p.Glu549*) have been determined to be pathogenic (Invitae). This suggests that this is a clinically significant region of the protein, and that variants that disrupt it are likely to be disease-causing. For these reasons, this variant has been classified as Pathogenic.

Baylor Genetics
Classification: Likely pathogenic for Combined malonic and methylmalonic acidemia. Last evaluated: 2023-11-02. Review status: criteria provided, single submitter. Criteria: ACMG Guidelines, 2015. Collection method: clinical testing. Allele origin: unknown.

Women's Health and Genetics/Laboratory Corporation of America, LabCorp
Classification: Likely pathogenic for Combined malonic and methylmalonic acidemia. Last evaluated: 2022-08-04. Review status: criteria provided, single submitter. Criteria: LabCorp Variant Classification Summary - May 2015. Collection method: clinical testing. Allele origin: germline.
Comment: Variant summary: ACSF3 c.1580C>G (p.Ser527X) results in a premature termination codon, predicted to cause a truncation of the encoded protein. Truncations downstream of this position have been classified as pathogenic in ClinVar database. The variant allele was found at a frequency of 4e-06 in 251268 control chromosomes (gnomAD). To our knowledge, no occurrence of c.1580C>G in individuals affected with Combined Malonic And Methylmalonic Aciduria and no experimental evidence demonstrating its impact on protein function have been reported. Three ClinVar submitters (evaluation after 2014) cite the variant as pathogenic (n=1) and likely pathogenic (n=2). Based on the evidence outlined above, the variant was classified as likely pathogenic.

GeneDx
Classification: Likely pathogenic. Last evaluated: 2019-09-25. Review status: criteria provided, single submitter. Criteria: GeneDx Variant Classification Process June 2021. Collection method: clinical testing. Allele origin: germline. Affected: yes.
Comment: Has not been previously published as pathogenic or benign to our knowledge; Nonsense variant in the C-terminus predicted to result in protein truncation, as the last 50 amino acids are lost, and other variants have been reported downstream in the Human Gene Mutation Database (Stenson et al., 2014); Not observed at a significant frequency in large population cohorts (Lek et al., 2016)

Natera, Inc.
Classification: Likely pathogenic for Combined malonic and methylmalonic aciduria. Last evaluated: 2020-08-28. Review status: no assertion criteria provided. Collection method: clinical testing. Allele origin: germline. Not counted in ClinVar's aggregate classification.

NM_001243279.3(ACSF3):c.1580C>G (p.Ser527Ter)

Gene: ACSF3 (acyl-CoA synthetase family member 3; plus strand). Cytogenetic location: 16q24.3.
Variant type: single nucleotide variant.
Coding change: c.1580C>G on transcript NM_001243279.3 (MANE Select); coding-DNA position 1580, C replaced by G.
Protein change: p.Ser527Ter; replaces serine 527 with a stop codon.
Molecular consequence: nonsense. On other transcripts: non-coding transcript variant (4).
Genome position (GRCh38, 1-based): chr16:89,146,016, C>G. VCF-style: chr16-89146016-C-G. GRCh37 (hg19) VCF-style: chr16-89212424-C-G.
Other names: c.1580C>G, p.Ser527Ter (NM_001127214.4, NM_174917.5); c.785C>G, p.Ser262Ter (NM_001284316.2); c.1580C>G (NM_174917.4); short protein forms S262*, S527*.
Identifiers: ClinVar variation 1187781 (VCV001187781.12), dbSNP rs1457774840, ClinGen allele CA397149110.